The following is an entry in ClinVar:

NM_020937.4(FANCM):c.4764A>G (p.Ile1588Met)

Gene: FANCM (FA complementation group M; plus strand). Cytogenetic location: 14q21.2.
Variant type: single nucleotide variant.
Coding change: c.4764A>G on transcript NM_020937.4 (MANE Select); coding-DNA position 4764, A replaced by G.
Protein change: p.Ile1588Met; replaces isoleucine 1588 with methionine.
Molecular consequence: missense variant.
Genome position (GRCh38, 1-based): chr14:45,187,872, A>G. VCF-style: chr14-45187872-A-G. GRCh37 (hg19) VCF-style: chr14-45657075-A-G.
Other names: c.4686A>G, p.Ile1562Met (NM_001308133.2); short protein forms I1562M, I1588M.
Identifiers: ClinVar variation 4619506 (VCV004619506.1).

ClinVar aggregate classification (germline): Uncertain significance (1 of 4 stars; one submission).

Conditions:
Inborn genetic diseases. Identifiers: MedGen C0950123, MeSH D030342.

Submission:

Ambry Genetics
Classification: Uncertain significance for Inborn genetic diseases. Last evaluated: 2025-10-22. Review status: criteria provided, single submitter. Criteria: Ambry Variant Classification Scheme 2023. Collection method: clinical testing. Allele origin: germline.
Comment: The p.I1588M variant (also known as c.4764A>G), located in coding exon 19 of the FANCM gene, results from an A to G substitution at nucleotide position 4764. The isoleucine at codon 1588 is replaced by methionine, an amino acid with highly similar properties. This amino acid position is conserved. In addition, this alteration is predicted to be tolerated by in silico analysis. Based on the available evidence, the clinical significance of this variant remains unclear.